The following is an entry in ClinVar:

NM_198578.4(LRRK2):c.4054C>A (p.Gln1352Lys)

Gene: LRRK2 (leucine rich repeat kinase 2; plus strand). Cytogenetic location: 12q12.
Variant type: single nucleotide variant.
Coding change: c.4054C>A on transcript NM_198578.4 (MANE Select); coding-DNA position 4054, C replaced by A.
Protein change: p.Gln1352Lys; replaces glutamine 1352 with lysine.
Molecular consequence: missense variant.
Genome position (GRCh38, 1-based): chr12:40,308,561, C>A. VCF-style: chr12-40308561-C-A. GRCh37 (hg19) VCF-style: chr12-40702363-C-A.
Other names: short protein forms Q1352K.
Identifiers: ClinVar variation 3291945 (VCV003291945.1).
Genomic context (GRCh38, chr12:40,308,561, plus strand): 5'-TATAACCGAATGAAACTTATGATTGTGGGAAATACTGGGAGTGGTAAAACCACCTTATTG[C>A]AGCAATTAATGAAAACCAAGAAATCAGATCTTGGAATGCAAAGTGCCACAGTTGGCATAG-3'
Protein context (NP_940980.4, residues 1342-1362): NTGSGKTTLL[Gln1352Lys]QLMKTKKSDL

ClinVar aggregate classification (germline): Uncertain significance (1 of 4 stars; one submission).

Conditions:
Inborn genetic diseases. Identifiers: MedGen C0950123, MeSH D030342.

gnomAD v4.1: 1 of 1,613,954 alleles (0.000062%); no homozygotes.

Submission:

Ambry Genetics
Classification: Uncertain significance for Inborn genetic diseases. Last evaluated: 2024-04-06. Review status: criteria provided, single submitter. Criteria: Ambry Variant Classification Scheme 2023. Collection method: clinical testing. Allele origin: germline.
Comment: The p.Q1352K variant (also known as c.4054C>A), located in coding exon 29 of the LRRK2 gene, results from a C to A substitution at nucleotide position 4054. The glutamine at codon 1352 is replaced by lysine, an amino acid with similar properties. This amino acid position is conserved. In addition, the in silico prediction for this alteration is inconclusive. Based on the available evidence, the clinical significance of this variant remains unclear.